The following is an entry in ClinVar:

ClinVar aggregate classification (germline): Likely pathogenic (1 of 4 stars; one submission).

Conditions:
Glomuvenous malformation. Also called: GLOMANGIOMAS, MULTIPLE; GLOMUS TUMORS, MULTIPLE; VENOUS MALFORMATIONS WITH GLOMUS CELLS; Familial glomangioma. Identifiers: Orphanet 83454, MedGen C1841984, MONDO:0007672, OMIM 138000.

gnomAD v4.1: 3 of 1,609,524 alleles (0.00019%); highest among the groups gnomAD compares: Non-Finnish European, 0.00026%; no homozygotes.

Submission:

Pittsburgh Clinical Genomics Laboratory, University of Pittsburgh Medical Center
Classification: Likely pathogenic for Glomuvenous malformation. Last evaluated: 2023-03-24. Review status: criteria provided, single submitter. Criteria: ACMG Guidelines, 2015. Collection method: clinical testing. Allele origin: germline. Inheritance: Autosomal dominant inheritance. Affected: yes.
Comment: This sequence variant is a single nucleotide substitution (T>G) at coding position 920 of the GLMN gene that changes the Leu307 codon to an early termition codon. This variant is predicted result in a loss of function allele through either nonsense-mediated decay or expression of truncated GLMN protein. This variant has not been previously reported to databases of clinically annotated variants (ClinVar) or observed in the literature in individuals with GLMN-related phenotypes, to our knowledge. This variant is present in the gnomAD population database (1 of 251346 alleles or 0.0004%). Functiol studiest testing the effect of this variant have not been performed, to our knowledge. Because loss of function alleles are a known mechanism of disease for GLMN, we consider this variant to be likely pathogenic. ACMG Criteria: PM2, PVS1

NM_053274.3(GLMN):c.920T>G (p.Leu307Ter)

Gene: GLMN (glomulin, FKBP associated protein; minus strand). Cytogenetic location: 1p22.1.
Variant type: single nucleotide variant.
Coding change: c.920T>G on transcript NM_053274.3 (MANE Select); coding-DNA position 920, T replaced by G.
Protein change: p.Leu307Ter; replaces leucine 307 with a stop codon.
Molecular consequence: nonsense. On other transcripts: non-coding transcript variant (1).
Genome position (GRCh38, 1-based): chr1:92,271,468, A>C on the plus strand (T>G on the coding strand, the complement: GLMN is on the minus strand). VCF-style: chr1-92271468-A-C. GRCh37 (hg19) VCF-style: chr1-92737025-A-C.
Other names: c.920T>G, p.Leu307Ter (NM_001319683.2); short protein forms L307*.
Identifiers: ClinVar variation 3376169 (VCV003376169.1).